The following is an entry in ClinVar:

ClinVar aggregate classification (germline): Uncertain significance (0 of 4 stars; one submission).

Submission:

Richard Lifton Laboratory, Yale University School of Medicine
Classification: Uncertain significance. Review status: no assertion criteria provided. Collection method: not provided. Allele origin: somatic.
Comment: CEBPZ
ClinVar note: Converted during submission from unknown to Uncertain significance.

NM_005760.3(CEBPZ):c.639T>G (p.Tyr213Ter)

Gene: CEBPZ (CCAAT enhancer binding protein zeta; minus strand). Cytogenetic location: 2p22.2.
Variant type: single nucleotide variant.
Coding change: c.639T>G on transcript NM_005760.3 (MANE Select); coding-DNA position 639, T replaced by G.
Protein change: p.Tyr213Ter; replaces tyrosine 213 with a stop codon.
Molecular consequence: nonsense.
Genome position (GRCh38, 1-based): chr2:37,228,554, A>C on the plus strand (T>G on the coding strand, the complement: CEBPZ is on the minus strand). VCF-style: chr2-37228554-A-C. GRCh37 (hg19) VCF-style: chr2-37455697-A-C.
Other names: short protein forms Y213*.
Identifiers: ClinVar variation 91969 (VCV000091969.2), dbSNP rs386352290, ClinGen allele CA232266.